The following is an entry in ClinVar:

ClinVar aggregate classification (germline): Uncertain significance (0 of 4 stars; one submission).

Conditions:
Polycystic kidney disease. Also called: Polycystic kidney dysplasia; Kidney, Polycystic. Identifiers: MedGen C0022680, MeSH D007690, MONDO:0020642, HP:0000113.

Submission:

Department of Pathology and Laboratory Medicine, Sinai Health System
Classification: Uncertain significance for Polycystic Kidney disease. Review status: no assertion criteria provided. Collection method: clinical testing. Allele origin: unknown. Affected: yes. Study: The Canadian Open Genetics Repository (COGR).
Comment: The PKD1 c.10619-12_10619-11del variant was not identified in the literature nor was it identified in the dbSNP, ClinVar, LOVD 3.0, ADPKD Mutation Database or PKD1-LOVD databases. The variant was not identified in the following control databases: the Exome Aggregation Consortium (August 8th 2016) or the Genome Aggregation Database (Feb 27, 2017). The c.10619-12_10619-11del variant is located in the 3' splice region but does not affect the invariant -1 and -2 positions, although positions -3 and -5 to -12 are part of the splicing consensus sequence and variants involving these positions sometimes affect splicing. However, in silico or computational prediction software programs (SpliceSiteFinder, MaxEntScan, NNSPLICE, GeneSplicer) do not predict a difference in splicing. In summary, based on the above information, the clinical significance of this variant cannot be determined with certainty at this time. This variant is classified as a variant of uncertain significance.

NM_001009944.3(PKD1):c.10619-12_10619-11del

Genes: PKD1 (polycystin 1, transient receptor potential channel interacting; minus strand), PKD1-AS1 (PKD1 antisense RNA 1; plus strand). Cytogenetic location: 16p13.3.
Variant type: Microsatellite.
Coding change: c.10619-12_10619-11del on transcript NM_001009944.3 (MANE Select); 12 bases into the intron before coding-DNA position 10619 through 11 bases into the intron before coding-DNA position 10619, 2 bases deleted (CT; older notation c.10619-12_10619-11delCT).
Molecular consequence: intron variant.
Genome position (GRCh38, 1-based): chr16:2,094,024-2,094,025, AG deleted on the plus strand (CT on the coding strand, the reverse complement: PKD1 is on the minus strand); deleting any 2 consecutive bases within chr16:2,094,024-2,094,028 gives the same sequence; the c. name uses the placement nearest the transcript's 3' end. VCF-style (leftmost placement, unchanged base first): chr16-2094023-CAG-C. GRCh37 (hg19) VCF-style: chr16-2144024-CAG-C.
Other names: c.10616-12_10616-11del (NM_000296.4).
Identifiers: ClinVar variation 997201 (VCV000997201.1), dbSNP rs1287879038, ClinGen allele CA718969151.